The following is an entry in ClinVar:

ClinVar aggregate classification (germline): Benign/Likely benign. Review status: criteria provided, multiple submitters, no conflicts (2 of 4 stars). 5 submissions from 5 submitters: Benign (1); Likely benign (4). Last evaluated 2026-09-01.

Conditions:
Leukodystrophy, hypomyelinating, 7, with or without oligodontia and/or hypogonadotropic hypogonadism (HLD7). Also called: LEUKODYSTROPHY, HYPOMYELINATING, 7, WITH OLIGODONTIA; LEUKODYSTROPHY, HYPOMYELINATING, 7, WITH OLIGODONTIA AND HYPOGONADOTROPIC HYPOGONADISM; LEUKODYSTROPHY, HYPOMYELINATING, 7, WITHOUT OLIGODONTIA OR HYPOGONADOTROPIC HYPOGONADISM; Ataxia, Delayed Dentition and Hypomyelination (ADDH); LEUKOENCEPHALOPATHY, HYPOMYELINATING, WITH ATAXIA AND DELAYED DENTITION; ATAXIA, DELAYED DENTITION, AND HYPOMYELINATION. Identifiers: Orphanet 137639, Orphanet 447893, Orphanet 447896, Orphanet 77295, Orphanet 88637, MedGen CN034185, MONDO:0011897, OMIM 607694.

Allele frequency attached by ClinVar (database versions not stated): 1000 Genomes Project 30x 0.00031; TOPMed 0.00131; gnomAD exomes 0.00187; gnomAD 0.00206 and 0.00220; ExAC 0.00212; ESP Exome Variant Server 0.00246.
gnomAD v4.1: 2,900 of 1,542,970 alleles (0.19%); highest among the groups gnomAD compares: Non-Finnish European, 0.22%; 13 homozygotes.

Submissions (5):

CeGaT Center for Human Genetics Tuebingen
Classification: Likely benign. Last evaluated: 2026-09-01. Review status: criteria provided, single submitter. Criteria: CeGaT Center For Human Genetics Tuebingen Variant Classification Criteria Version 2. Collection method: clinical testing. Allele origin: germline. Affected: yes. Observed: 57 variant alleles.
Comment: POLR3A: BP4, BP7

Labcorp Genetics (formerly Invitae), Labcorp
Classification: Benign. Last evaluated: 2026-02-03. Review status: criteria provided, single submitter. Criteria: Invitae Variant Classification Sherloc (09022015). Collection method: clinical testing. Allele origin: germline.

Blueprint Genetics
Classification: Likely benign. Last evaluated: 2024-11-27. Review status: criteria provided, single submitter. Criteria: ACMG Guidelines, 2015. Collection method: clinical testing. Allele origin: germline.

Illumina Laboratory Services, Illumina
Classification: Likely benign for Leukodystrophy, hypomyelinating, 7, with or without oligodontia and/or hypogonadotropic hypogonadism. Last evaluated: 2018-01-13. Review status: criteria provided, single submitter. Criteria: ICSL Variant Classification Criteria 13 December 2019. Collection method: clinical testing. Allele origin: germline.
Comment: This variant was observed in the ICSL laboratory as part of a predisposition screen in an ostensibly healthy population. It had not been previously curated by ICSL or reported in the Human Gene Mutation Database (HGMD: prior to June 1st, 2018), and was therefore a candidate for classification through an automated scoring system. Utilizing variant allele frequency, disease prevalence and penetrance estimates, and inheritance mode, an automated score was calculated to assess if this variant is too frequent to cause the disease. Based on the score and internal cut-off values, a variant classified as likely benign is not then subjected to further curation. The score for this variant resulted in a classification of likely benign for this disease.

Breakthrough Genomics
Classification: Likely benign. Review status: criteria provided, single submitter. Criteria: ACMG Guidelines, 2015. Collection method: not provided. Allele origin: germline. Inheritance: Autosomal recessive inheritance. Affected: yes.

NM_007055.4(POLR3A):c.2472C>T (p.His824=)

Gene: POLR3A (RNA polymerase III subunit A; minus strand). Cytogenetic location: 10q22.3.
Variant type: single nucleotide variant.
Coding change: c.2472C>T on transcript NM_007055.4 (MANE Select); coding-DNA position 2472, C replaced by T.
Protein change: p.His824=; no amino-acid change (histidine 824 retained).
Molecular consequence: synonymous variant.
Genome position (GRCh38, 1-based): chr10:78,000,982, G>A on the plus strand (C>T on the coding strand, the complement: POLR3A is on the minus strand). VCF-style: chr10-78000982-G-A. GRCh37 (hg19) VCF-style: chr10-79760740-G-A.
Identifiers: ClinVar variation 301056 (VCV000301056.55), dbSNP rs139259717, ClinGen allele CA5571116.
Genomic context (GRCh38, chr10:78,000,982, plus strand): 5'-GGAAAGTGTAGATTAAGAGATCTTCACAGTTCTACCTGATCTGCTACTGCTTACCTTTGA[G>A]TGTTTTTCAAAATGAGGCAAGGACCTGTTTTCAAAGCCGTCTGGCACTCGAGAGCCACTG-3'
Protein context (NP_008986.2, residues 814-834): ENRSLPHFEK[His824=]SKLPAAKGFV